The following is an entry in ClinVar:

NM_007194.4(CHEK2):c.895A>T (p.Ile299Phe)

Gene: CHEK2 (checkpoint kinase 2; minus strand). Cytogenetic location: 22q12.1.
Variant type: single nucleotide variant.
Coding change: c.895A>T on transcript NM_007194.4 (MANE Select); coding-DNA position 895, A replaced by T.
Protein change: p.Ile299Phe; replaces isoleucine 299 with phenylalanine.
Molecular consequence: missense variant.
Genome position (GRCh38, 1-based): chr22:28,703,518, T>A on the plus strand (A>T on the coding strand, the complement: CHEK2 is on the minus strand). VCF-style: chr22-28703518-T-A. GRCh37 (hg19) VCF-style: chr22-29099506-T-A.
Other names: c.1024A>T, p.Ile342Phe (NM_001005735.3); c.232A>T, p.Ile78Phe (NM_001257387.3); c.694A>T, p.Ile232Phe (NM_001349956.3); c.895A>T, p.Ile299Phe (NM_145862.3); short protein forms I232F, I299F, I342F, I78F.
Identifiers: ClinVar variation 2011229 (VCV002011229.4), dbSNP rs1555916906, ClinGen allele CA411100990.

ClinVar aggregate classification (germline): Uncertain significance (1 of 4 stars; one submission).

Conditions:
Familial cancer of breast. Also called: hereditary breast carcinoma; BREAST CANCER, FAMILIAL; Hereditary breast cancer. Identifiers: Orphanet 227535, MedGen C0346153, MONDO:0016419, OMIM 114480. Disease mechanism: loss of function.

Allele frequency attached by ClinVar (database versions not stated): gnomAD exomes below 0.00001.
gnomAD v4.1: 1 of 1,502,942 alleles (0.000067%); highest among the groups gnomAD compares: Non-Finnish European, 0.000092%; no homozygotes.

Submission:

Labcorp Genetics (formerly Invitae), Labcorp
Classification: Uncertain significance for Familial cancer of breast. Last evaluated: 2022-07-01. Review status: criteria provided, single submitter. Criteria: Invitae Variant Classification Sherloc (09022015). Collection method: clinical testing. Allele origin: germline.
Comment: In summary, the available evidence is currently insufficient to determine the role of this variant in disease. Therefore, it has been classified as a Variant of Uncertain Significance. Algorithms developed to predict the effect of missense changes on protein structure and function are either unavailable or do not agree on the potential impact of this missense change (SIFT: "Deleterious"; PolyPhen-2: "Possibly Damaging"; Align-GVGD: "Class C0"). This variant has not been reported in the literature in individuals affected with CHEK2-related conditions. This variant is not present in population databases (gnomAD no frequency). This sequence change replaces isoleucine, which is neutral and non-polar, with phenylalanine, which is neutral and non-polar, at codon 299 of the CHEK2 protein (p.Ile299Phe).